The following is an entry in ClinVar:

NC_000005.10:g.112707370C>A

Gene: APC (APC regulator of Wnt signaling pathway; plus strand). Cytogenetic location: 5q22.2.
Variant type: single nucleotide variant.
Genome position: GRCh38 VCF-style: chr5-112707370-C-A. GRCh37 (hg19) VCF-style: chr5-112043067-C-A.
Identifiers: ClinVar variation 1057264 (VCV001057264.4), dbSNP rs1273083857, ClinGen allele CA2499217368.

ClinVar aggregate classification (germline): Uncertain significance (1 of 4 stars; one submission).

Conditions:
Familial adenomatous polyposis 1 (FAP1). Also called: FAMILIAL ADENOMATOUS POLYPOSIS 1, ATTENUATED; POLYPOSIS, ADENOMATOUS INTESTINAL. Identifiers: MedGen C2713442, MONDO:0021056, OMIM 175100. Disease mechanism: loss of function.

Submission:

Labcorp Genetics (formerly Invitae), Labcorp
Classification: Uncertain significance for Familial adenomatous polyposis 1. Last evaluated: 2025-08-25. Review status: criteria provided, single submitter. Criteria: Invitae Variant Classification Sherloc (09022015). Collection method: clinical testing. Allele origin: germline.
Comment: This variant occurs in a non-coding region of the APC gene. It does not change the encoded amino acid sequence of the APC protein. This variant is not present in population databases (gnomAD no frequency). This variant has not been reported in the literature in individuals affected with APC-related conditions. Experimental studies and prediction algorithms are not available or were not evaluated, and the functional significance of this variant is currently unknown. In summary, the available evidence is currently insufficient to determine the role of this variant in disease. Therefore, it has been classified as a Variant of Uncertain Significance.